The following is an entry in ClinVar:

NM_152618.3(BBS12):c.670dup (p.Thr224fs)

Gene: BBS12 (Bardet-Biedl syndrome 12; plus strand). Cytogenetic location: 4q27.
Variant type: Duplication.
Coding change: c.670dup on transcript NM_152618.3 (MANE Select); coding-DNA position 670, one base duplicated (A; older notation c.670dupA).
Protein change: p.Thr224fs; shifts the reading frame from threonine 224.
Molecular consequence: frameshift variant.
Genome position (GRCh38, 1-based): chr4:122,742,562, A duplicated. VCF-style (leftmost placement, unchanged base first): chr4-122742561-T-TA. GRCh37 (hg19) VCF-style: chr4-123663716-T-TA.
Other names: c.670dup, p.Thr224fs (NM_001178007.2); short protein forms T224fs.
Identifiers: ClinVar variation 585192 (VCV000585192.10), dbSNP rs1339432710, ClinGen allele CA554526997.

ClinVar aggregate classification (germline): Pathogenic. Review status: criteria provided, multiple submitters, no conflicts (2 of 4 stars). 5 submissions from 5 submitters: Pathogenic (3). 2 of the submissions do not count toward it. Last evaluated 2023-11-19.

Conditions:
Bardet-Biedl syndrome (BBS). Identifiers: Orphanet 110, MedGen C0752166, MONDO:0015229.
Bardet-Biedl syndrome 12 (BBS12). Identifiers: Orphanet 110, MedGen C1859570, MONDO:0014440, OMIM 615989.

Allele frequency attached by ClinVar (database versions not stated): gnomAD exomes below 0.00001.

Submissions (5):

Baylor Genetics
Classification: Pathogenic for Bardet-Biedl syndrome 12. Last evaluated: 2023-11-19. Review status: criteria provided, single submitter. Criteria: ACMG Guidelines, 2015. Collection method: clinical testing. Allele origin: unknown.

Labcorp Genetics (formerly Invitae), Labcorp
Classification: Pathogenic for Bardet-Biedl syndrome. Last evaluated: 2023-10-30. Review status: criteria provided, single submitter. Criteria: Invitae Variant Classification Sherloc (09022015). Collection method: clinical testing. Allele origin: germline.
Comment: This sequence change creates a premature translational stop signal (p.Thr224Asnfs*12) in the BBS12 gene. While this is not anticipated to result in nonsense mediated decay, it is expected to disrupt the last 487 amino acid(s) of the BBS12 protein. This variant is present in population databases (no rsID available, gnomAD 0.0009%). This premature translational stop signal has been observed in individual(s) with clinical features of Bardet-Biedl syndrome (PMID: 30614526). ClinVar contains an entry for this variant (Variation ID: 585192). This variant disrupts a region of the BBS12 protein in which other variant(s) (p.Arg355*) have been determined to be pathogenic (PMID: 17160889, 23591405). This suggests that this is a clinically significant region of the protein, and that variants that disrupt it are likely to be disease-causing. For these reasons, this variant has been classified as Pathogenic.

Fulgent Genetics
Classification: Pathogenic for Bardet-Biedl syndrome 12. Last evaluated: 2021-10-02. Review status: criteria provided, single submitter. Criteria: ACMG Guidelines, 2015. Collection method: clinical testing. Allele origin: unknown.

Natera, Inc.
Classification: Pathogenic for Bardet-Biedl syndrome type 12. Last evaluated: 2020-08-25. Review status: no assertion criteria provided. Collection method: clinical testing. Allele origin: germline. Not counted in ClinVar's aggregate classification.

Laboratory of Medical Genetics (UMR_S 1112), INSERM/Strasbourg University
Classification: Pathogenic for Bardet-Biedl syndrome. Last evaluated: 2018-09-15. Review status: no assertion criteria provided. Collection method: provider interpretation. Allele origin: germline. Affected: yes. Study: French fetal BBS cohort. Not counted in ClinVar's aggregate classification.

Literature cited by the submitters: PubMed 30614526 (cited by Labcorp Genetics (formerly Invitae), Labcorp and Laboratory of Medical Genetics (UMR_S 1112), INSERM/Strasbourg University); PubMed 17160889 (cited by Labcorp Genetics (formerly Invitae), Labcorp); PubMed 23591405 (cited by Labcorp Genetics (formerly Invitae), Labcorp).